The following is an entry in ClinVar:

ClinVar aggregate classification (germline): Benign/Likely benign. Review status: criteria provided, multiple submitters, no conflicts (2 of 4 stars). 5 submissions from 5 submitters: Benign (3); Likely benign (2). Last evaluated 2022-12-29.

Conditions:
Nemaline myopathy 10 (NEM10). Identifiers: MedGen C4015360, MONDO:0014513, OMIM 616165.

Allele frequency attached by ClinVar (database versions not stated): gnomAD exomes 0.00079 and 0.00228; 1000 Genomes Project 30x 0.00843; 1000 Genomes Project 0.00919; ExAC 0.00321; gnomAD 0.00968 and 0.00900; TOPMed 0.00968; ESP Exome Variant Server 0.00957.
gnomAD v4.1: 2,575 of 1,612,662 alleles (0.16%); highest among the groups gnomAD compares: African/African-American, 3.1%; 31 homozygotes.

Submissions (5):

Mayo Clinic Laboratories, Mayo Clinic
Classification: Benign. Last evaluated: 2022-12-29. Review status: criteria provided, single submitter. Criteria: ACMG Guidelines, 2015. Collection method: clinical testing. Allele origin: germline. Observed: 3 variant alleles.
Comment: BS1, BS2, BP4

Labcorp Genetics (formerly Invitae), Labcorp
Classification: Benign for Nemaline myopathy 10. Last evaluated: 2019-12-31. Review status: criteria provided, single submitter. Criteria: Invitae Variant Classification Sherloc (09022015). Collection method: clinical testing. Allele origin: germline.

GeneDx
Classification: Benign. Last evaluated: 2019-10-16. Review status: criteria provided, single submitter. Criteria: GeneDx Variant Classification Process June 2021. Collection method: clinical testing. Allele origin: germline. Affected: yes.

Genetic Services Laboratory, University of Chicago
Classification: Likely benign. Last evaluated: 2015-08-24. Review status: criteria provided, single submitter. Criteria: ACMG Guidelines, 2015. Collection method: clinical testing. Allele origin: germline. Affected: no.

Breakthrough Genomics
Classification: Likely benign. Review status: criteria provided, single submitter. Criteria: ACMG Guidelines, 2015. Collection method: not provided. Allele origin: germline. Inheritance: Autosomal recessive inheritance. Affected: yes.

NM_198271.5(LMOD3):c.253C>A (p.Leu85Met)

Genes: LMOD3 (leiomodin 3; minus strand), LOC126806710 (CDK7 strongly-dependent group 2 enhancer GRCh37_chr3:69170601-69171800; plus strand). Cytogenetic location: 3p14.1.
Variant type: single nucleotide variant.
Coding change: c.253C>A on transcript NM_198271.5 (MANE Select); coding-DNA position 253, C replaced by A.
Protein change: p.Leu85Met; replaces leucine 85 with methionine.
Molecular consequence: missense variant.
Genome position (GRCh38, 1-based): chr3:69,122,134, G>T on the plus strand (C>A on the coding strand, the complement: LMOD3 is on the minus strand). VCF-style: chr3-69122134-G-T. GRCh37 (hg19) VCF-style: chr3-69171285-G-T.
Other names: p.Leu85Met; c.253C>A, p.Leu85Met (NM_001304418.3); short protein forms L85M.
Identifiers: ClinVar variation 435782 (VCV000435782.15), dbSNP rs80113271, ClinGen allele CA2489043.